The following is an entry in ClinVar:

NM_176787.5(PIGN):c.2413G>A (p.Ala805Thr)

Gene: PIGN (phosphatidylinositol glycan anchor biosynthesis class N; minus strand). Cytogenetic location: 18q21.33.
Variant type: single nucleotide variant.
Coding change: c.2413G>A on transcript NM_176787.5 (MANE Select); coding-DNA position 2413, G replaced by A.
Protein change: p.Ala805Thr; replaces alanine 805 with threonine.
Molecular consequence: missense variant.
Genome position (GRCh38, 1-based): chr18:62,085,222, C>T on the plus strand (G>A on the coding strand, the complement: PIGN is on the minus strand). VCF-style: chr18-62085222-C-T. GRCh37 (hg19) VCF-style: chr18-59752455-C-T.
Other names: c.2413G>A, p.Ala805Thr (NM_012327.6); short protein forms A805T.
Identifiers: ClinVar variation 841853 (VCV000841853.14), dbSNP rs771022458, ClinGen allele CA8981992.
Genomic context (GRCh38, chr18:62,085,222, plus strand): 5'-GCATTATTTTTTAGTTATATATATATGCCACTTTCATTTAAAATTACCTGTTAATAGAAG[C>T]TATATTTCCAGTTCCAAAAAATGCTGTCACTAAGAAGAAAACCTAAAGGGAGTCAAGGAA-3'
Protein context (NP_789744.1, residues 795-815): VTAFFGTGNI[Ala805Thr]SINSFDLASV

ClinVar aggregate classification (germline): Uncertain significance. Review status: criteria provided, multiple submitters, no conflicts (2 of 4 stars). 5 submissions from 5 submitters: Uncertain significance (5). Last evaluated 2025-03-20.

Conditions:
Inborn genetic diseases. Identifiers: MedGen C0950123, MeSH D030342.
Multiple congenital anomalies-hypotonia-seizures syndrome 1 (MCAHS1). Also called: PIGN-CDG; Congenital disorder of glycosylation due to PIGN deficiency; GLYCOSYLPHOSPHATIDYLINOSITOL BIOSYNTHESIS DEFECT 3. Identifiers: Orphanet 280633, MedGen C3279775, MONDO:0013563, OMIM 614080.

Allele frequency attached by ClinVar (database versions not stated): gnomAD 0.00009 and 0.00010; TOPMed 0.00009; gnomAD exomes 0.00013; ExAC 0.00023.
gnomAD v4.1: 93 of 1,535,406 alleles (0.0061%); highest among the groups gnomAD compares: Non-Finnish European, 0.0081%; no homozygotes.

Submissions (5):

Ambry Genetics
Classification: Uncertain significance for Inborn genetic diseases. Last evaluated: 2025-03-20. Review status: criteria provided, single submitter. Criteria: Ambry Variant Classification Scheme 2023. Collection method: clinical testing. Allele origin: germline.

GeneDx
Classification: Uncertain significance. Last evaluated: 2025-03-14. Review status: criteria provided, single submitter. Criteria: GeneDx Variant Classification Process June 2021. Collection method: clinical testing. Allele origin: germline. Affected: yes.
Comment: In silico analysis supports that this missense variant has a deleterious effect on protein structure/function; Has not been previously published as pathogenic or benign to our knowledge

Blueprint Genetics
Classification: Uncertain significance. Last evaluated: 2024-11-19. Review status: criteria provided, single submitter. Criteria: ACMG Guidelines, 2015. Collection method: clinical testing. Allele origin: germline.

Labcorp Genetics (formerly Invitae), Labcorp
Classification: Uncertain significance for Multiple congenital anomalies-hypotonia-seizures syndrome 1. Last evaluated: 2022-10-13. Review status: criteria provided, single submitter. Criteria: Invitae Variant Classification Sherloc (09022015). Collection method: clinical testing. Allele origin: germline.
Comment: This sequence change replaces alanine, which is neutral and non-polar, with threonine, which is neutral and polar, at codon 805 of the PIGN protein (p.Ala805Thr). This variant is present in population databases (rs771022458, gnomAD 0.03%). This variant has not been reported in the literature in individuals affected with PIGN-related conditions. ClinVar contains an entry for this variant (Variation ID: 841853). Advanced modeling of protein sequence and biophysical properties (such as structural, functional, and spatial information, amino acid conservation, physicochemical variation, residue mobility, and thermodynamic stability) performed at Invitae indicates that this missense variant is expected to disrupt PIGN protein function. In summary, the available evidence is currently insufficient to determine the role of this variant in disease. Therefore, it has been classified as a Variant of Uncertain Significance.

New York Genome Center
Classification: Uncertain significance for Multiple congenital anomalies-hypotonia-seizures syndrome 1. Last evaluated: 2021-12-10. Review status: criteria provided, single submitter. Criteria: NYGC Assertion Criteria 2020. Collection method: clinical testing. Allele origin: germline. Observed: 1 heterozygote. Study: CSER-NYCKidSeq.